The following is an entry in ClinVar:

NM_002474.3(MYH11):c.5574G>A (p.Val1858=)

Genes: NDE1 (nudE neurodevelopment protein 1; plus strand), MYH11 (myosin heavy chain 11; minus strand). Cytogenetic location: 16p13.11.
Variant type: single nucleotide variant.
Coding change: c.5574G>A on transcript NM_002474.3 (MANE Select); coding-DNA position 5574, G replaced by A.
Protein change: p.Val1858=; no amino-acid change (valine 1858 retained).
Molecular consequence: synonymous variant. On other transcripts: intron variant (2).
Genome position (GRCh38, 1-based): chr16:15,715,203, C>T on the plus strand (G>A on the coding strand, the complement: MYH11 is on the minus strand). VCF-style: chr16-15715203-C-T. GRCh37 (hg19) VCF-style: chr16-15809060-C-T.
Other names: c.5574G>A (NM_002474.2); c.5595G>A, p.Val1865= (NM_001040113.2, NM_001040114.2); c.5574G>A, p.Val1858= (NM_022844.3); c.948-8988C>T (NM_001143979.2, NM_017668.3).
Identifiers: ClinVar variation 918330 (VCV000918330.14), dbSNP rs758553530, ClinGen allele CA7921218.

ClinVar aggregate classification (germline): Conflicting classifications of pathogenicity. Review status: criteria provided, conflicting classifications (1 of 4 stars). 4 submissions from 4 submitters: Uncertain significance (1); Likely benign (3). Last evaluated 2025-09-14.

Conditions:
Familial thoracic aortic aneurysm and aortic dissection (TAAD). Also called: Thoracic aortic aneurysms and dissections. Identifiers: Orphanet 91387, MedGen C4707243, MONDO:0019625.
Aortic aneurysm, familial thoracic 4 (AAT4). Also called: AORTIC ANEURYSM/AORTIC DISSECTION AND PATENT DUCTUS ARTERIOSUS. Identifiers: MedGen C1851504, MONDO:0007568, OMIM 132900.

Allele frequency attached by ClinVar (database versions not stated): ExAC 0.00001; gnomAD 0.00001; gnomAD exomes 0.00001; TOPMed 0.00001.
gnomAD v4.1: 11 of 1,613,970 alleles (0.00068%); highest among the groups gnomAD compares: Non-Finnish European, 0.00093%; no homozygotes.

Submissions (4):

Labcorp Genetics (formerly Invitae), Labcorp
Classification: Likely benign for Aortic aneurysm, familial thoracic 4. Last evaluated: 2025-09-14. Review status: criteria provided, single submitter. Criteria: Invitae Variant Classification Sherloc (09022015). Collection method: clinical testing. Allele origin: germline.

Ambry Genetics
Classification: Uncertain significance for Familial thoracic aortic aneurysm and aortic dissection. Last evaluated: 2024-11-22. Review status: criteria provided, single submitter. Criteria: Ambry Variant Classification Scheme 2023. Collection method: clinical testing. Allele origin: germline.
Comment: The c.5574G>A variant (also known as p.V1858V), located in coding exon 38 of the MYH11 gene, results from a G to A substitution at nucleotide position 5574. This nucleotide substitution does not change the amino acid at codon 1858. This nucleotide position is well conserved in available vertebrate species. In silico splice site analysis predicts that this alteration will result in the creation or strengthening of a novel splice donor site. Based on the available evidence, the clinical significance of this variant remains unclear.

All of Us Research Program, National Institutes of Health
Classification: Likely benign for Familial thoracic aortic aneurysm and aortic dissection. Last evaluated: 2023-12-01. Review status: criteria provided, single submitter. Criteria: ACMG Guidelines, 2015. Collection method: clinical testing. Allele origin: germline. Inheritance: Autosomal dominant inheritance. Observed: 4 variant alleles, 4 heterozygotes.
Comment: This synonymous variant does not change the amino acid sequence of the MYH11 protein. However, splice site prediction tools suggest that this variant may impact RNA splicing. To our knowledge, functional studies have not been reported for this variant. This variant has not been reported in individuals affected with cardiovascular disorders in the literature. This variant has been identified in 3/251420 chromosomes in the general population by the Genome Aggregation Database (gnomAD). The available evidence is insufficient to determine the role of this variant in disease conclusively. Therefore, this variant is classified as a Variant of Uncertain Significance.

This study involves interpretation of variants in research participants for the purpose of population health screening. Participant phenotype was not available at the time of variant classification. Additional details can be found in publication PMID: 35346344, PMCID: PMC8962531

Color Diagnostics, LLC DBA Color Health
Classification: Likely benign for Familial thoracic aortic aneurysm and aortic dissection. Last evaluated: 2023-09-29. Review status: criteria provided, single submitter. Criteria: ACMG Guidelines, 2015. Collection method: clinical testing. Allele origin: germline.